The following is an entry in ClinVar:

NM_014423.4(AFF4):c.2304_2306del (p.His768_Lys769delinsGln)

Gene: AFF4 (ALF transcription elongation factor 4; minus strand). Cytogenetic location: 5q31.1.
Variant type: Deletion.
Coding change: c.2304_2306del on transcript NM_014423.4 (MANE Select); coding-DNA positions 2304 to 2306, 3 bases deleted (TAA; older notation c.2304_2306delTAA).
Protein change: p.His768_Lys769delinsGln.
Molecular consequence: inframe indel.
Genome position (GRCh38, 1-based): chr5:132,896,324-132,896,326, TTA deleted on the plus strand (TAA on the coding strand, the reverse complement: AFF4 is on the minus strand); deleting any 3 consecutive bases within chr5:132,896,324-132,896,327 gives the same sequence; the c. name uses the placement nearest the transcript's 3' end. VCF-style (leftmost placement, unchanged base first): chr5-132896323-CTTA-C. GRCh37 (hg19) VCF-style: chr5-132232015-CTTA-C.
Identifiers: ClinVar variation 4992120 (VCV004992120.1).
Genomic context (GRCh38, chr5:132,896,323, plus strand): 5'-ATTTCCACCGCATTTCAGATTCTGATGTTTCAAAACAAACAACAAAAACCCTTCACAAAC[CTTA>C]TGCTTCCTCTTGCCTTTGTTGGAAACTTTTTCTGAGGCTTGTTTCTGAGCCTCTCTCGTG-3'

ClinVar aggregate classification (germline): Uncertain significance (1 of 4 stars; one submission).

Conditions:
AFF4-related disorder. Also called: AFF4-related condition.

Submission:

PreventionGenetics, part of Exact Sciences
Classification: Uncertain significance for AFF4-related condition. Last evaluated: 2026-06-02. Review status: criteria provided, single submitter. Criteria: ACMG Guidelines, 2015. Collection method: clinical testing. Allele origin: germline.
Comment: The AFF4 c.2304_2306delTAA variant is predicted to result in an in-frame deletion (p.His768_Lys769delinsGln). To our knowledge, this variant has not been reported in the literature or in a large population database (gnomAD), indicating this variant is rare. At this time, the clinical significance of this variant is uncertain due to the absence of conclusive functional and genetic evidence.